The following is an entry in ClinVar:

ClinVar aggregate classification (germline): Likely pathogenic (1 of 4 stars; one submission).

Submission:

GeneDx
Classification: Likely pathogenic. Last evaluated: 2017-10-19. Review status: criteria provided, single submitter. Criteria: GeneDx Variant Classification (06012015). Collection method: clinical testing. Allele origin: germline. Affected: yes.
Comment: The c.3039+1delG variant in the KAT6A gene has not been reported previously as a pathogenic variant nor as a benign variant, to our knowledge. This splice site variant destroys the canonical splice donor site in intron 15. It is predicted to cause abnormal gene splicing, either leading to an abnormal message that is subject to nonsense-mediated mRNA decay, or to an abnormal protein product if the message is used for protein translation. The c.3039+1delG variant is not observed in large population cohorts (Lek et al., 2016). We interpret c.3039+1delG as a likely pathogenic variant.

NM_006766.5(KAT6A):c.3039+1del

Gene: KAT6A (lysine acetyltransferase 6A; minus strand). Cytogenetic location: 8p11.21.
Variant type: Deletion.
Coding change: c.3039+1del on transcript NM_006766.5 (MANE Select); the canonical splice donor site of the intron after coding-DNA position 3039, one base deleted (G; older notation c.3039+1delG).
Molecular consequence: splice donor variant.
Genome position (GRCh38, 1-based): chr8:41,940,841, C deleted on the plus strand (G on the coding strand, the reverse complement: KAT6A is on the minus strand); the first of 2 consecutive C bases (chr8:41,940,841-41,940,842); deleting either gives the same sequence. VCF-style (leftmost placement, unchanged base first): chr8-41940840-AC-A. GRCh37 (hg19) VCF-style: chr8-41798358-AC-A.
Other names: c.3039+1delG (NM_006766.3).
Identifiers: ClinVar variation 453041 (VCV000453041.2), dbSNP rs1554681385, ClinGen allele CA658657768.